The following is an entry in ClinVar:

ClinVar aggregate classification (germline): Pathogenic (1 of 4 stars; one submission).

Conditions:
LAMA2-related muscular dystrophy (LAMA2-RD). Also called: Laminin alpha 2-related dystrophy. Identifiers: MedGen C5679788, MONDO:0100228.

Submission:

Myriad Genetics, Inc.
Classification: Pathogenic for LAMA2-related muscular dystrophy. Last evaluated: 2026-08-19. Review status: criteria provided, single submitter. Criteria: Myriad Autosomal Dominant, Autosomal Recessive and X-Linked Classification Criteria (2023). Collection method: clinical testing. Allele origin: unknown.
Comment: NM_000426.3(LAMA2):c.45_52del8ins1(L17Afs*26) is expected to be pathogenic in the context of muscular dystrophy, LAMA2-related. This variant is predicted to lead to an abnormal or absent protein product due to the creation of a premature termination codon in LAMA2, a gene where loss-of-function variants are known to be pathogenic. Please note: this variant was assessed in the context of healthy population screening.

NM_000426.4(LAMA2):c.45_52delinsC (p.Leu17fs)

Gene: LAMA2 (laminin subunit alpha 2; plus strand). Cytogenetic location: 6q22.33.
Variant type: Indel.
Coding change: c.45_52delinsC on transcript NM_000426.4 (MANE Select); coding-DNA positions 45 to 52, AGGCCTCG replaced by C.
Protein change: p.Leu17fs; shifts the reading frame from leucine 17.
Molecular consequence: frameshift variant.
Genome position (GRCh38, 1-based): chr6:128,883,290-128,883,297, AGGCCTCG replaced by C. VCF-style: chr6-128883290-AGGCCTCG-C. GRCh37 (hg19) VCF-style: chr6-129204435-AGGCCTCG-C.
Other names: c.45_52delinsC, p.Leu17fs (NM_001079823.2); short protein forms L17fs.
Identifiers: ClinVar variation 5016253 (VCV005016253.1).